The following is an entry in ClinVar:

NM_000548.5(TSC2):c.2287C>A (p.His763Asn)

Gene: TSC2 (TSC complex subunit 2; plus strand). Cytogenetic location: 16p13.3.
Variant type: single nucleotide variant.
Coding change: c.2287C>A on transcript NM_000548.5 (MANE Select); coding-DNA position 2287, C replaced by A.
Protein change: p.His763Asn; replaces histidine 763 with asparagine.
Molecular consequence: missense variant.
Genome position (GRCh38, 1-based): chr16:2,072,915, C>A. VCF-style: chr16-2072915-C-A. GRCh37 (hg19) VCF-style: chr16-2122916-C-A.
Other names: c.1687C>A, p.His563Asn (NM_001406687.1, NM_001406688.1, NM_001406682.1 and 6 more transcripts); c.1825C>A, p.His609Asn (NM_001406681.1); c.943C>A, p.His315Asn (NM_001406689.1, NM_001406690.1, NM_001406691.1 and 6 more transcripts); c.2140C>A, p.His714Asn (NM_001318829.2, NM_001406675.1, NM_001406676.1 and 1 more transcripts); c.2320C>A, p.His774Asn (NM_001318832.2); c.2287C>A, p.His763Asn (NM_001363528.2, NM_001370404.1, NM_001370405.1 and 6 more transcripts); c.2377C>A, p.His793Asn (NM_001406667.1, NM_001406668.1); c.2176C>A, p.His726Asn (NM_001406670.1, NM_001406678.1, NM_001318827.2); and 3 more; short protein forms H774N, H229N, H714N, H744N, H315N, H563N, H609N, H763N.
Identifiers: ClinVar variation 2121739 (VCV002121739.4), dbSNP rs758234726, ClinGen allele CA394276584.

ClinVar aggregate classification (germline): Uncertain significance (1 of 4 stars; one submission).

Conditions:
Tuberous sclerosis 2 (TSC2). Identifiers: Orphanet 805, MedGen C1860707, MONDO:0013199, OMIM 613254.

Submission:

Labcorp Genetics (formerly Invitae), Labcorp
Classification: Uncertain significance for Tuberous sclerosis 2. Last evaluated: 2022-04-05. Review status: criteria provided, single submitter. Criteria: Invitae Variant Classification Sherloc (09022015). Collection method: clinical testing. Allele origin: germline.
Comment: In summary, the available evidence is currently insufficient to determine the role of this variant in disease. Therefore, it has been classified as a Variant of Uncertain Significance. Advanced modeling of protein sequence and biophysical properties (such as structural, functional, and spatial information, amino acid conservation, physicochemical variation, residue mobility, and thermodynamic stability) performed at Invitae indicates that this missense variant is not expected to disrupt TSC2 protein function. This variant has not been reported in the literature in individuals affected with TSC2-related conditions. This variant is not present in population databases (gnomAD no frequency). This sequence change replaces histidine, which is basic and polar, with asparagine, which is neutral and polar, at codon 763 of the TSC2 protein (p.His763Asn).